The following is an entry in ClinVar:

ClinVar aggregate classification (germline): Uncertain significance (1 of 4 stars; one submission).

Submission:

GeneDx
Classification: Uncertain significance. Last evaluated: 2025-05-29. Review status: criteria provided, single submitter. Criteria: GeneDx Variant Classification Process June 2021. Collection method: clinical testing. Allele origin: germline. Affected: yes.
Comment: Not observed at significant frequency in large population cohorts (gnomAD); In silico analysis supports that this missense variant has a deleterious effect on protein structure/function; Has not been previously published as pathogenic or benign to our knowledge

NM_003587.5(DHX16):c.3064G>C (p.Glu1022Gln)

Gene: DHX16 (DEAH-box helicase 16; minus strand). Cytogenetic location: 6p21.33.
Variant type: single nucleotide variant.
Coding change: c.3064G>C on transcript NM_003587.5 (MANE Select); coding-DNA position 3064, G replaced by C.
Protein change: p.Glu1022Gln; replaces glutamic acid 1022 with glutamine.
Molecular consequence: missense variant.
Genome position (GRCh38, 1-based): chr6:30,653,304, C>G on the plus strand (G>C on the coding strand, the complement: DHX16 is on the minus strand). VCF-style: chr6-30653304-C-G. GRCh37 (hg19) VCF-style: chr6-30621081-C-G.
Other names: c.2884G>C, p.Glu962Gln (NM_001164239.2); c.1621G>C, p.Glu541Gln (NM_001363515.2); short protein forms E1022Q, E541Q, E962Q.
Identifiers: ClinVar variation 4532678 (VCV004532678.1).
Genomic context (GRCh38, chr6:30,653,304, plus strand): 5'-ACCCTAGCTCTTCTCGTGTTTTGCCTATTTTTTTGGGCATTTTCTTAGCATGGGGATCTT[C>G]TAGCTCCTTGGCCTTATAATAATGGGGAGCCACCTCCAGAAGCCAACTGCTCTCAATCTC-3'
Protein context (NP_003578.2, residues 1012-1032): APHYYKAKEL[Glu1022Gln]DPHAKKMPKK